The following is an entry in ClinVar:

NM_004247.4(EFTUD2):c.1999del (p.Val667fs)

Gene: EFTUD2 (elongation factor Tu GTP binding domain containing 2; minus strand). Cytogenetic location: 17q21.31.
Variant type: Deletion.
Coding change: c.1999del on transcript NM_004247.4 (MANE Select); coding-DNA position 1999, one base deleted (G; older notation c.1999delG).
Protein change: p.Val667fs; shifts the reading frame from valine 667.
Molecular consequence: frameshift variant.
Genome position (GRCh38, 1-based): chr17:44,857,121, C deleted on the plus strand (G on the coding strand, the reverse complement: EFTUD2 is on the minus strand); the first of 2 consecutive C bases (chr17:44,857,121-44,857,122); deleting either gives the same sequence. VCF-style (leftmost placement, unchanged base first): chr17-44857120-AC-A. GRCh37 (hg19) VCF-style: chr17-42934488-AC-A.
Other names: c.1894del, p.Val632fs (NM_001142605.2); c.1999del, p.Val667fs (NM_001258353.2); c.1969del, p.Val657fs (NM_001258354.2); short protein forms V657fs, V667fs, V632fs.
Identifiers: ClinVar variation 4714853 (VCV004714853.1).
Genomic context (GRCh38, chr17:44,857,120, plus strand): 5'-GTGCTCCCAGCTTACTTCTTATTAGGCGTTTCAGCAAAGCACTTGAGGGAGGATGTTTCC[AC>A]CACCGTCTCACAAAACGTGACAACTGGGTCAGCCACCTGGGAAACAGAAAATAAATTACT-3'

ClinVar aggregate classification (germline): Pathogenic (1 of 4 stars; one submission).

Submission:

Labcorp Genetics (formerly Invitae), Labcorp
Classification: Pathogenic. Last evaluated: 2025-03-11. Review status: criteria provided, single submitter. Criteria: Invitae Variant Classification Sherloc (09022015). Collection method: clinical testing. Allele origin: germline.
Comment: This sequence change creates a premature translational stop signal (p.Val667Trpfs*21) in the EFTUD2 gene. It is expected to result in an absent or disrupted protein product. Loss-of-function variants in EFTUD2 are known to be pathogenic (PMID: 24999515, 26507355). This variant is not present in population databases (gnomAD no frequency). This variant has not been reported in the literature in individuals affected with EFTUD2-related conditions. For these reasons, this variant has been classified as Pathogenic.

Literature cited by the submitters: PubMed 24999515; PubMed 26507355.